The following is an entry in ClinVar:

NM_000051.4(ATM):c.6348-5C>T

Genes: C11orf65 (chromosome 11 open reading frame 65; minus strand), ATM (ATM serine/threonine kinase; plus strand). Cytogenetic location: 11q22.3.
Variant type: single nucleotide variant.
Coding change: c.6348-5C>T on transcript NM_000051.4 (MANE Select); 5 bases into the intron before coding-DNA position 6348, C replaced by T.
Molecular consequence: intron variant.
Genome position (GRCh38, 1-based): chr11:108,319,949, C>T. VCF-style: chr11-108319949-C-T. GRCh37 (hg19) VCF-style: chr11-108190676-C-T.
Other names: c.6348-5C>T (NM_001351834.2); c.641-10878G>A (NM_001330368.2); c.*39-10878G>A (NM_001351110.2).
Identifiers: ClinVar variation 1634162 (VCV001634162.9), dbSNP rs1388651064, ClinGen allele CA2573146709.

ClinVar aggregate classification (germline): Conflicting classifications of pathogenicity. Review status: criteria provided, conflicting classifications (1 of 4 stars). 2 submissions from 2 submitters: Uncertain significance (1); Likely benign (1). Last evaluated 2024-05-06.

Conditions:
Hereditary cancer-predisposing syndrome. Also called: Neoplastic Syndromes, Hereditary; Tumor predisposition; Hereditary Cancer Syndrome; Hereditary neoplastic syndrome. Identifiers: Orphanet 140162, MedGen C0027672, MeSH D009386, MONDO:0015356.
Ataxia-telangiectasia syndrome (AT). Also called: LOUIS-BAR SYNDROME; Cerebello-oculocutaneous telangiectasia; Immunodeficiency with ataxia telangiectasia; Ataxia telangiectasia (A-T); Ataxia-telangiectasia, complementation group D; AT, COMPLEMENTATION GROUP C. Identifiers: Orphanet 100, MedGen C0004135, MONDO:0008840, OMIM 208900.

Submissions (2):

Ambry Genetics
Classification: Uncertain significance for Hereditary cancer-predisposing syndrome. Last evaluated: 2024-05-06. Review status: criteria provided, single submitter. Criteria: Ambry Variant Classification Scheme 2023. Collection method: clinical testing. Allele origin: germline.
Comment: The c.6348-5C>T intronic variant results from a C to T substitution 5 nucleotides upstream from coding exon 43 in the ATM gene. This nucleotide position is not well conserved in available vertebrate species. In silico splice site analysis predicts that this alteration will not have any significant effect on splicing. Based on the available evidence, the clinical significance of this variant remains unclear.

Labcorp Genetics (formerly Invitae), Labcorp
Classification: Likely benign for Ataxia-telangiectasia syndrome. Last evaluated: 2021-02-16. Review status: criteria provided, single submitter. Criteria: Invitae Variant Classification Sherloc (09022015). Collection method: clinical testing. Allele origin: germline.